The following is an entry in ClinVar:

ClinVar aggregate classification (germline): Uncertain significance (1 of 4 stars; one submission).

Conditions:
RYR1-related disorder. Also called: RYR1-related disorders; RYR1-related condition. Identifiers: MedGen CN239331.

Allele frequency attached by ClinVar (database versions not stated): TOPMed below 0.00001.

Submission:

Labcorp Genetics (formerly Invitae), Labcorp
Classification: Uncertain significance for RYR1-related disorder. Last evaluated: 2022-09-13. Review status: criteria provided, single submitter. Criteria: Invitae Variant Classification Sherloc (09022015). Collection method: clinical testing. Allele origin: germline.
Comment: This sequence change replaces valine, which is neutral and non-polar, with alanine, which is neutral and non-polar, at codon 573 of the RYR1 protein (p.Val573Ala). This variant is not present in population databases (gnomAD no frequency). This variant has not been reported in the literature in individuals affected with RYR1-related conditions. ClinVar contains an entry for this variant (Variation ID: 650786). Advanced modeling of protein sequence and biophysical properties (such as structural, functional, and spatial information, amino acid conservation, physicochemical variation, residue mobility, and thermodynamic stability) performed at Invitae indicates that this missense variant is not expected to disrupt RYR1 protein function. In summary, the available evidence is currently insufficient to determine the role of this variant in disease. Therefore, it has been classified as a Variant of Uncertain Significance.

NM_000540.3(RYR1):c.1718T>C (p.Val573Ala)

Gene: RYR1 (ryanodine receptor 1; plus strand). Cytogenetic location: 19q13.2.
Variant type: single nucleotide variant.
Coding change: c.1718T>C on transcript NM_000540.3 (MANE Select); coding-DNA position 1718, T replaced by C.
Protein change: p.Val573Ala; replaces valine 573 with alanine.
Molecular consequence: missense variant.
Genome position (GRCh38, 1-based): chr19:38,455,678, T>C. VCF-style: chr19-38455678-T-C. GRCh37 (hg19) VCF-style: chr19-38946318-T-C.
Other names: c.1718T>C, p.Val573Ala (NM_001042723.2); short protein forms V573A.
Identifiers: ClinVar variation 650786 (VCV000650786.6), dbSNP rs1600676317, ClinGen allele CA405691252.